The following is an entry in ClinVar:

ClinVar aggregate classification (germline): Benign/Likely benign. Review status: criteria provided, multiple submitters, no conflicts (2 of 4 stars). 8 submissions from 8 submitters: Benign (4); Likely benign (2). 2 of the submissions do not count toward it. Last evaluated 2026-08-01.

Allele frequency attached by ClinVar (database versions not stated): 1000 Genomes Project 30x 0.00250; ExAC 0.00256; 1000 Genomes Project 0.00260; gnomAD exomes 0.00263; gnomAD 0.00273 and 0.00288; ESP Exome Variant Server 0.00308; TOPMed 0.00311.

Submissions (8):

CeGaT Center for Human Genetics Tuebingen
Classification: Likely benign. Last evaluated: 2026-08-01. Review status: criteria provided, single submitter. Criteria: CeGaT Center For Human Genetics Tuebingen Variant Classification Criteria Version 2. Collection method: clinical testing. Allele origin: germline. Affected: yes. Observed: 4 variant alleles.
Comment: C1QA: BP4, BP7

Labcorp Genetics (formerly Invitae), Labcorp
Classification: Benign. Last evaluated: 2026-02-01. Review status: criteria provided, single submitter. Criteria: Invitae Variant Classification Sherloc (09022015). Collection method: clinical testing. Allele origin: germline.

Women's Health and Genetics/Laboratory Corporation of America, LabCorp
Classification: Benign. Last evaluated: 2026-01-23. Review status: criteria provided, single submitter. Criteria: LabCorp Variant Classification Summary - May 2015. Collection method: clinical testing. Allele origin: germline.

Mayo Clinic Laboratories, Mayo Clinic
Classification: Benign. Last evaluated: 2025-05-14. Review status: criteria provided, single submitter. Criteria: ACMG Guidelines, 2015. Collection method: clinical testing. Allele origin: germline. Observed: 2 variant alleles.
Comment: BS1, BS2, BP4, BP7

Blueprint Genetics
Classification: Likely benign. Last evaluated: 2024-11-17. Review status: criteria provided, single submitter. Criteria: ACMG Guidelines, 2015. Collection method: clinical testing. Allele origin: germline.

Breakthrough Genomics
Classification: Benign. Review status: criteria provided, single submitter. Criteria: ACMG Guidelines, 2015. Collection method: not provided. Allele origin: germline. Inheritance: Autosomal recessive inheritance. Affected: yes.

Clinical Genetics DNA and cytogenetics Diagnostics Lab, Erasmus MC, Erasmus Medical Center
Classification: Likely benign. Review status: no assertion criteria provided. Collection method: clinical testing. Allele origin: germline. Affected: yes. Study: VKGL Data-share Consensus. Not counted in ClinVar's aggregate classification.

Genome Diagnostics Laboratory, University Medical Center Utrecht
Classification: Likely benign. Review status: no assertion criteria provided. Collection method: clinical testing. Allele origin: germline. Affected: yes. Study: VKGL Data-share Consensus. Not counted in ClinVar's aggregate classification.

Literature cited by the submitters: PubMed 31019999 (cited by Mayo Clinic Laboratories, Mayo Clinic).

NM_015991.4(C1QA):c.525C>T (p.Ile175=)

Gene: C1QA (complement C1q A chain; plus strand). Cytogenetic location: 1p36.12.
Variant type: single nucleotide variant.
Coding change: c.525C>T on transcript NM_015991.4 (MANE Select); coding-DNA position 525, C replaced by T.
Protein change: p.Ile175=; no amino-acid change (isoleucine 175 retained).
Molecular consequence: synonymous variant.
Genome position (GRCh38, 1-based): chr1:22,639,194, C>T. VCF-style: chr1-22639194-C-T. GRCh37 (hg19) VCF-style: chr1-22965687-C-T.
Other names: p.Ile175=; c.525C>T, p.Ile175= (NM_001347465.2, NM_001347466.2).
Identifiers: ClinVar variation 789874 (VCV000789874.40), dbSNP rs149050968, ClinGen allele CA677793.
Genomic context (GRCh38, chr1:22,639,194, plus strand): 5'-ACCCGGCTACTACTACTTCACCTTCCAGGTGCTGTCCCAGTGGGAAATCTGCCTGTCCAT[C>T]GTCTCCTCCTCAAGGGGCCAGGTCCGACGCTCCCTGGGCTTCTGTGACACCACCAACAAG-3'
Protein context (NP_057075.1, residues 165-185): VLSQWEICLS[Ile175=]VSSSRGQVRR